The following is an entry in ClinVar:

ClinVar aggregate classification (germline): Uncertain significance (1 of 4 stars; one submission).

gnomAD v4.1: 1 of 1,613,760 alleles (0.000062%); no homozygotes.

Submission:

Labcorp Genetics (formerly Invitae), Labcorp
Classification: Uncertain significance. Last evaluated: 2024-11-19. Review status: criteria provided, single submitter. Criteria: Invitae Variant Classification Sherloc (09022015). Collection method: clinical testing. Allele origin: germline.
Comment: This sequence change falls in intron 26 of the ITPR1 gene. It does not directly change the encoded amino acid sequence of the ITPR1 protein. It affects a nucleotide within the consensus splice site. This variant is not present in population databases (gnomAD no frequency). This variant has not been reported in the literature in individuals affected with ITPR1-related conditions. ClinVar contains an entry for this variant (Variation ID: 1966498). Variants that disrupt the consensus splice site are a relatively common cause of aberrant splicing (PMID: 17576681, 9536098). Algorithms developed to predict the effect of sequence changes on RNA splicing suggest that this variant is not likely to affect RNA splicing. In summary, the available evidence is currently insufficient to determine the role of this variant in disease. Therefore, it has been classified as a Variant of Uncertain Significance.

Literature cited by the submitters: PubMed 17576681; PubMed 9536098.

NM_001378452.1(ITPR1):c.3327+4G>T

Gene: ITPR1 (inositol 1,4,5-trisphosphate receptor type 1; plus strand). Cytogenetic location: 3p26.1.
Variant type: single nucleotide variant.
Coding change: c.3327+4G>T on transcript NM_001378452.1 (MANE Select); 4 bases into the intron after coding-DNA position 3327, G replaced by T.
Molecular consequence: intron variant.
Genome position (GRCh38, 1-based): chr3:4,683,555, G>T. VCF-style: chr3-4683555-G-T. GRCh37 (hg19) VCF-style: chr3-4725239-G-T.
Other names: c.3300+4G>T (NM_001099952.4); c.3282+4G>T (NM_001168272.2); c.3255+4G>T (NM_002222.7).
Identifiers: ClinVar variation 1966498 (VCV001966498.5), dbSNP rs2306878, ClinGen allele CA2580069167.